The following is an entry in ClinVar:

ClinVar aggregate classification (germline): Uncertain significance. Review status: criteria provided, multiple submitters, no conflicts (2 of 4 stars). 2 submissions from 2 submitters: Uncertain significance (2). Last evaluated 2025-12-08.

Conditions:
Inborn genetic diseases. Identifiers: MedGen C0950123, MeSH D030342.
Hajdu-Cheney syndrome (HJCYS). Also called: SERPENTINE FIBULA-POLYCYSTIC KIDNEY SYNDROME; Acroosteolysis dominant type; ACROOSTEOLYSIS WITH OSTEOPOROSIS AND CHANGES IN SKULL AND MANDIBLE. Identifiers: Orphanet 955, MedGen C0917715, MONDO:0007057, OMIM 102500.

Allele frequency attached by ClinVar (database versions not stated): gnomAD 0.00003.
gnomAD v4.1: 4 of 1,614,032 alleles (0.00025%); highest among the groups gnomAD compares: African/African-American, 0.0053%; no homozygotes.

Submissions (2):

Ambry Genetics
Classification: Uncertain significance for Inborn genetic diseases. Last evaluated: 2025-12-08. Review status: criteria provided, single submitter. Criteria: Ambry Variant Classification Scheme 2023. Collection method: clinical testing. Allele origin: germline.

Labcorp Genetics (formerly Invitae), Labcorp
Classification: Uncertain significance for Hajdu-Cheney syndrome. Last evaluated: 2025-05-28. Review status: criteria provided, single submitter. Criteria: Invitae Variant Classification Sherloc (09022015). Collection method: clinical testing. Allele origin: germline.
Comment: This sequence change replaces threonine, which is neutral and polar, with arginine, which is basic and polar, at codon 1415 of the NOTCH2 protein (p.Thr1415Arg). This variant is not present in population databases (gnomAD no frequency). This variant has not been reported in the literature in individuals affected with NOTCH2-related conditions. ClinVar contains an entry for this variant (Variation ID: 2527114). Invitae Evidence Modeling of protein sequence and biophysical properties (such as structural, functional, and spatial information, amino acid conservation, physicochemical variation, residue mobility, and thermodynamic stability) indicates that this missense variant is not expected to disrupt NOTCH2 protein function with a negative predictive value of 95%. In summary, the available evidence is currently insufficient to determine the role of this variant in disease. Therefore, it has been classified as a Variant of Uncertain Significance.

NM_024408.4(NOTCH2):c.4244C>G (p.Thr1415Arg)

Gene: NOTCH2 (notch receptor 2; minus strand). Cytogenetic location: 1p12.
Variant type: single nucleotide variant.
Coding change: c.4244C>G on transcript NM_024408.4 (MANE Select); coding-DNA position 4244, C replaced by G.
Protein change: p.Thr1415Arg; replaces threonine 1415 with arginine.
Molecular consequence: missense variant.
Genome position (GRCh38, 1-based): chr1:119,925,572, G>C on the plus strand (C>G on the coding strand, the complement: NOTCH2 is on the minus strand). VCF-style: chr1-119925572-G-C. GRCh37 (hg19) VCF-style: chr1-120468195-G-C.
Other names: short protein forms T1415R.
Identifiers: ClinVar variation 2527114 (VCV002527114.6), dbSNP rs758275919, ClinGen allele CA341890356.